The following is an entry in ClinVar:

ClinVar aggregate classification (germline): Uncertain significance. Review status: criteria provided, multiple submitters, no conflicts (2 of 4 stars). 2 submissions from 2 submitters: Uncertain significance (2). Last evaluated 2025-04-07.

Allele frequency attached by ClinVar (database versions not stated): gnomAD 0.00001; TOPMed 0.00002; gnomAD exomes 0.00004.
gnomAD v4.1: 53 of 1,510,478 alleles (0.0035%); highest among the groups gnomAD compares: South Asian, 0.01%; no homozygotes.

Submissions (2):

Ambry Genetics
Classification: Uncertain significance. Last evaluated: 2025-04-07. Review status: criteria provided, single submitter. Criteria: Ambry Variant Classification Scheme 2023. Collection method: clinical testing. Allele origin: germline.

Labcorp Genetics (formerly Invitae), Labcorp
Classification: Uncertain significance. Last evaluated: 2023-08-02. Review status: criteria provided, single submitter. Criteria: Invitae Variant Classification Sherloc (09022015). Collection method: clinical testing. Allele origin: germline.
Comment: An algorithm developed to predict the effect of missense changes on protein structure and function (PolyPhen-2) suggests that this variant is likely to be tolerated. In summary, the available evidence is currently insufficient to determine the role of this variant in disease. Therefore, it has been classified as a Variant of Uncertain Significance. This sequence change replaces alanine, which is neutral and non-polar, with valine, which is neutral and non-polar, at codon 82 of the DLX6 protein (p.Ala82Val). The frequency data for this variant in the population databases is considered unreliable, as metrics indicate poor data quality at this position in the gnomAD database. This variant has not been reported in the literature in individuals affected with DLX6-related conditions.

NM_005222.4(DLX6):c.245C>T (p.Ala82Val)

Genes: DLX6 (distal-less homeobox 6; plus strand), DLX6-AS1 (DLX6 antisense RNA 1; minus strand). Cytogenetic location: 7q21.3.
Variant type: single nucleotide variant.
Coding change: c.245C>T on transcript NM_005222.4 (MANE Select); coding-DNA position 245, C replaced by T.
Protein change: p.Ala82Val; replaces alanine 82 with valine.
Molecular consequence: missense variant.
Genome position (GRCh38, 1-based): chr7:97,006,222, C>T. VCF-style: chr7-97006222-C-T. GRCh37 (hg19) VCF-style: chr7-96635534-C-T.
Other names: c.245C>T (NM_005222.3); short protein forms A82V.
Identifiers: ClinVar variation 2961973 (VCV002961973.4), dbSNP rs760599595, ClinGen allele CA4353750.